The following is an entry in ClinVar:

ClinVar aggregate classification (germline): Likely benign (0 of 4 stars; one submission).

Conditions:
DLG4-related disorder. Also called: DLG4-related condition.

gnomAD v4.1: 21 of 1,601,864 alleles (0.0013%); highest among the groups gnomAD compares: Non-Finnish European, 0.0018%; no homozygotes.

Submission:

PreventionGenetics, part of Exact Sciences
Classification: Likely benign for DLG4-related condition. Last evaluated: 2022-10-17. Review status: no assertion criteria provided. Collection method: clinical testing. Allele origin: germline.
Comment: This variant is classified as likely benign based on ACMG/AMP sequence variant interpretation guidelines (Richards et al. 2015 PMID: 25741868, with internal and published modifications).

NM_001321075.3(DLG4):c.1305C>A (p.Ala435=)

Gene: DLG4 (discs large MAGUK scaffold protein 4; minus strand). Cytogenetic location: 17p13.1.
Variant type: single nucleotide variant.
Coding change: c.1305C>A on transcript NM_001321075.3 (MANE Select); coding-DNA position 1305, C replaced by A.
Protein change: p.Ala435=; no amino-acid change (alanine 435 retained).
Molecular consequence: synonymous variant. On other transcripts: non-coding transcript variant (1).
Genome position (GRCh38, 1-based): chr17:7,194,492, G>T on the plus strand (C>A on the coding strand, the complement: DLG4 is on the minus strand). VCF-style: chr17-7194492-G-T. GRCh37 (hg19) VCF-style: chr17-7097811-G-T.
Other names: c.1296C>A, p.Ala432= (NM_001128827.4); c.1425C>A, p.Ala475= (NM_001321074.1); c.1125C>A, p.Ala375= (NM_001321076.3, NM_001321077.3); c.1434C>A, p.Ala478= (NM_001365.5); c.1224C>A, p.Ala408= (NM_001369566.3).
Identifiers: ClinVar variation 3036143 (VCV003036143.2), dbSNP rs200879867, ClinGen allele CA287414730.
Genomic context (GRCh38, chr17:7,194,492, plus strand): 5'-GCGGAAGCTCAGGGCCTGGCTCAGGAAGCCGCAGTCCTTGGTCTTGTCGTAATCAAACAG[G>T]GCCCTGGAGGGCAAGTGGCTATCGGTCAGAGCCCAGCTGAGGACTCCAGGAAGGATGCCC-3'
Protein context (NP_001308004.1, residues 425-445): SNPKRGFYIR[Ala435=]LFDYDKTKDC